The following is an entry in ClinVar:

ClinVar aggregate classification (germline): Uncertain significance. Review status: criteria provided, multiple submitters, no conflicts (2 of 4 stars). 5 submissions from 5 submitters: Uncertain significance (5). Last evaluated 2025-10-03.

Conditions:
Dilated cardiomyopathy 1G (CMD1G). Identifiers: Orphanet 154, MedGen C1858763, MONDO:0011400, OMIM 604145.
Autosomal recessive limb-girdle muscular dystrophy type 2J (LGMDR10). Also called: Limb-girdle muscular dystrophy, type 2J; MUSCULAR DYSTROPHY, LIMB-GIRDLE, AUTOSOMAL RECESSIVE 10. Identifiers: Orphanet 140922, MedGen C1837342, MONDO:0012127, OMIM 608807.

Allele frequency attached by ClinVar (database versions not stated): gnomAD exomes below 0.00001; TOPMed below 0.00001.
gnomAD v4.1: 6 of 1,598,818 alleles (0.00038%); highest among the groups gnomAD compares: Non-Finnish European, 0.00051%; no homozygotes.

Submissions (5):

Labcorp Genetics (formerly Invitae), Labcorp
Classification: Uncertain significance for Dilated cardiomyopathy 1G; Autosomal recessive limb-girdle muscular dystrophy type 2J. Last evaluated: 2025-10-03. Review status: criteria provided, single submitter. Criteria: Invitae Variant Classification Sherloc (09022015). Collection method: clinical testing. Allele origin: germline.
Comment: This sequence change replaces valine, which is neutral and non-polar, with leucine, which is neutral and non-polar, at codon 11114 of the TTN protein (p.Val11114Leu). This variant also falls at the last nucleotide of exon 138, which is part of the consensus splice site for this exon. This variant is not present in population databases (gnomAD no frequency). This variant has not been reported in the literature in individuals affected with TTN-related conditions. ClinVar contains an entry for this variant (Variation ID: 595720). Experimental studies and prediction algorithms are not available or were not evaluated, and the functional significance of this variant is currently unknown. Variants that disrupt the consensus splice site are a relatively common cause of aberrant splicing (PMID: 17576681, 9536098). Algorithms developed to predict the effect of sequence changes on RNA splicing suggest that this variant may disrupt the consensus splice site. This variant is located in the I band of TTN (PMID: 25589632). Non-truncating variants in this region may be clinically relevant, but have not been definitively shown to cause cardiomyopathy or neuromuscular disease (PMID: 27493940, 32778822). In summary, the available evidence is currently insufficient to determine the role of this variant in disease. Therefore, it has been classified as a Variant of Uncertain Significance.

Blueprint Genetics
Classification: Uncertain significance. Last evaluated: 2024-11-17. Review status: criteria provided, single submitter. Criteria: ACMG Guidelines, 2015. Collection method: clinical testing. Allele origin: germline.

Revvity Omics, Revvity
Classification: Uncertain significance. Last evaluated: 2024-03-13. Review status: criteria provided, single submitter. Criteria: ACMG Guidelines, 2015. Collection method: clinical testing. Allele origin: germline.

Women's Health and Genetics/Laboratory Corporation of America, LabCorp
Classification: Uncertain significance. Last evaluated: 2023-12-07. Review status: criteria provided, single submitter. Criteria: LabCorp Variant Classification Summary - May 2015. Collection method: clinical testing. Allele origin: germline.
Comment: Variant summary: TTN c.29608G>T (p.Val9870Leu) results in a conservative amino acid change located in the I-band region of the encoded protein sequence. Three of four in-silico tools predict a benign effect of the variant on protein function. In addition, this variant falls onto the last nucleotide of exon 135 (NM_133378.4) and therefore can also affect splicing. Several computational tools predict a significant impact on normal splicing: Three predict the variant abolishes a 5' splicing donor site. However, these predictions have yet to be confirmed by functional studies. Furthermore, the PSI value (proportion spliced-in, left ventricle) for this exon is very low, therefore its clinical significance is unclear. The variant allele was found at a frequency of 4.2e-06 in 1,440,956 control chromosomes (i.e. in 6 carriers) in the gnomAD database, v4.0 dataset. The available data on variant occurrences in the general population are insufficient to allow any conclusion about variant significance. To our knowledge, no occurrence of c.29608G>T in individuals affected with Limb-Girdle Muscular Dystrophy, Type 2J and no experimental evidence demonstrating its impact on protein function have been reported. Two submitters have cited clinical-significance assessments for this variant to ClinVar after 2014. All submitters classified the variant as uncertain significance. Based on the evidence outlined above, the variant was classified as uncertain significance.

Eurofins Ntd Llc (ga)
Classification: Uncertain significance. Last evaluated: 2018-01-11. Review status: criteria provided, single submitter. Criteria: EGL Classification Definitions 2015. Collection method: clinical testing. Allele origin: germline. Observed: 1 variant allele, 1 heterozygote.

Literature cited by the submitters: PubMed 17576681 (cited by Labcorp Genetics (formerly Invitae), Labcorp); PubMed 9536098 (cited by Labcorp Genetics (formerly Invitae), Labcorp); PubMed 25589632 (cited by Labcorp Genetics (formerly Invitae), Labcorp); PubMed 27493940 (cited by Labcorp Genetics (formerly Invitae), Labcorp); PubMed 32778822 (cited by Labcorp Genetics (formerly Invitae), Labcorp).

NM_001267550.2(TTN):c.33340G>T (p.Val11114Leu)

Gene: TTN (titin; minus strand). Cytogenetic location: 2q31.2.
Variant type: single nucleotide variant.
Coding change: c.33340G>T on transcript NM_001267550.2 (MANE Select); coding-DNA position 33340, G replaced by T.
Protein change: p.Val11114Leu; replaces valine 11114 with leucine.
Molecular consequence: missense variant. On other transcripts: intron variant (3).
Genome position (GRCh38, 1-based): chr2:178,681,079, C>A on the plus strand (G>T on the coding strand, the complement: TTN is on the minus strand). VCF-style: chr2-178681079-C-A. GRCh37 (hg19) VCF-style: chr2-179545806-C-A.
Other names: c.32389G>T, p.Val10797Leu (NM_001256850.1); c.29608G>T, p.Val9870Leu (NM_133378.4); c.13283-38762G>T (NM_003319.4); c.13859-38762G>T (NM_133437.4); c.13658-38762G>T (NM_133432.3); short protein forms V11114L, V9870L, V10797L.
Identifiers: ClinVar variation 595720 (VCV000595720.15), dbSNP rs1328375389, ClinGen allele CA349538628.